The following is an entry in ClinVar:

ClinVar aggregate classification (germline): Uncertain significance (1 of 4 stars; one submission).

gnomAD v4.1: 3 of 1,614,002 alleles (0.00019%); highest among the groups gnomAD compares: Admixed American, 0.005%; no homozygotes.

Submission:

Labcorp Genetics (formerly Invitae), Labcorp
Classification: Uncertain significance. Last evaluated: 2024-05-15. Review status: criteria provided, single submitter. Criteria: Invitae Variant Classification Sherloc (09022015). Collection method: clinical testing. Allele origin: germline.
Comment: This sequence change replaces aspartic acid, which is acidic and polar, with glutamic acid, which is acidic and polar, at codon 216 of the KLF11 protein (p.Asp216Glu). This variant is present in population databases (no rsID available, gnomAD 0.003%). This variant has not been reported in the literature in individuals affected with KLF11-related conditions. An algorithm developed to predict the effect of missense changes on protein structure and function (PolyPhen-2) suggests that this variant is likely to be tolerated. In summary, the available evidence is currently insufficient to determine the role of this variant in disease. Therefore, it has been classified as a Variant of Uncertain Significance.

NM_003597.5(KLF11):c.648C>A (p.Asp216Glu)

Gene: KLF11 (KLF transcription factor 11; plus strand). Cytogenetic location: 2p25.1.
Variant type: single nucleotide variant.
Coding change: c.648C>A on transcript NM_003597.5 (MANE Select); coding-DNA position 648, C replaced by A.
Protein change: p.Asp216Glu; replaces aspartic acid 216 with glutamic acid.
Molecular consequence: missense variant.
Genome position (GRCh38, 1-based): chr2:10,047,985, C>A. VCF-style: chr2-10047985-C-A. GRCh37 (hg19) VCF-style: chr2-10188112-C-A.
Other names: c.597C>A, p.Asp199Glu (NM_001177716.2, NM_001177718.2); short protein forms D199E, D216E.
Identifiers: ClinVar variation 3626977 (VCV003626977.2).
Genomic context (GRCh38, chr2:10,047,985, plus strand): 5'-GCTTTCTGACAGCAGAGAAGGAGAAGAGCAGCTTCTGGGACACTTTGAAACTTTGCAGGA[C>A]ACACACCTCACGGACAGTTTACTCAGCACTAACTTGGTGTCCTGTCAGCCCTGCTTGCAC-3'
Protein context (NP_003588.1, residues 206-226): QLLGHFETLQ[Asp216Glu]THLTDSLLST